The following is an entry in ClinVar:

ClinVar aggregate classification (germline): Benign/Likely benign. Review status: criteria provided, multiple submitters, no conflicts (2 of 4 stars). 5 submissions from 4 submitters: Benign (1); Likely benign (4). Last evaluated 2026-01-02.

Conditions:
Senior-Loken syndrome 4 (SLSN4). Identifiers: Orphanet 3156, MedGen C1846979, MONDO:0011756, OMIM 606996.
Nephronophthisis 4 (NPHP4). Also called: NEPHRONOPHTHISIS 4, JUVENILE. Identifiers: Orphanet 655, MedGen C1847013, MONDO:0011752, OMIM 606966.
Nephronophthisis. Also called: Juvenile Nephronophthisis. Identifiers: Orphanet 655, MedGen C0687120, MONDO:0019005, HP:0000090.

Allele frequency attached by ClinVar (database versions not stated): gnomAD exomes 0.00022; TOPMed 0.00029; gnomAD 0.00038; ExAC 0.00042; 1000 Genomes Project 30x 0.00109; 1000 Genomes Project 0.00140.
gnomAD v4.1: 384 of 1,610,732 alleles (0.024%); highest among the groups gnomAD compares: East Asian, 0.72%; 2 homozygotes.

Submissions (5):

Labcorp Genetics (formerly Invitae), Labcorp
Classification: Benign for Nephronophthisis. Last evaluated: 2026-01-02. Review status: criteria provided, single submitter. Criteria: Invitae Variant Classification Sherloc (09022015). Collection method: clinical testing. Allele origin: germline.

Blueprint Genetics
Classification: Likely benign. Last evaluated: 2024-10-08. Review status: criteria provided, single submitter. Criteria: ACMG Guidelines, 2015. Collection method: clinical testing. Allele origin: germline.

Illumina Laboratory Services, Illumina
Classification: Likely benign for Nephronophthisis 4. Last evaluated: 2018-01-12. Review status: criteria provided, single submitter. Criteria: ICSL Variant Classification Criteria 13 December 2019. Collection method: clinical testing. Allele origin: germline.
Comment: This variant was observed in the ICSL laboratory as part of a predisposition screen in an ostensibly healthy population. It had not been previously curated by ICSL or reported in the Human Gene Mutation Database (HGMD: prior to June 1st, 2018), and was therefore a candidate for classification through an automated scoring system. Utilizing variant allele frequency, disease prevalence and penetrance estimates, and inheritance mode, an automated score was calculated to assess if this variant is too frequent to cause the disease. Based on the score and internal cut-off values, a variant classified as likely benign is not then subjected to further curation. The score for this variant resulted in a classification of likely benign for this disease.

Illumina Laboratory Services, Illumina
Classification: Likely benign for Senior-Loken syndrome 4. Last evaluated: 2018-01-12. Review status: criteria provided, single submitter. Criteria: ICSL Variant Classification Criteria 13 December 2019. Collection method: clinical testing. Allele origin: germline.
Comment: the same text as in the submission from Illumina Laboratory Services, Illumina above.

Eurofins Ntd Llc (ga)
Classification: Likely benign. Last evaluated: 2017-08-15. Review status: criteria provided, single submitter. Criteria: EGL Classification Definitions 2015. Collection method: clinical testing. Allele origin: germline. Observed: 1 variant allele, 1 heterozygote.

NM_015102.5(NPHP4):c.3045-5C>T

Gene: NPHP4 (nephrocystin 4; minus strand). Cytogenetic location: 1p36.31.
Variant type: single nucleotide variant.
Coding change: c.3045-5C>T on transcript NM_015102.5 (MANE Select); 5 bases into the intron before coding-DNA position 3045, C replaced by T.
Molecular consequence: intron variant.
Genome position (GRCh38, 1-based): chr1:5,874,662, G>A on the plus strand (C>T on the coding strand, the complement: NPHP4 is on the minus strand). VCF-style: chr1-5874662-G-A. GRCh37 (hg19) VCF-style: chr1-5934722-G-A.
Other names: c.1509-5C>T (NM_001291594.2); c.1506-5C>T (NM_001291593.2).
Identifiers: ClinVar variation 593682 (VCV000593682.20), dbSNP rs2297790, ClinGen allele CA553810.
Genomic context (GRCh38, chr1:5,874,662, plus strand): 5'-TGTGCAGGCCAGCAGCACCCTTGAAGTCCCTCCACTCCTGACTGTCCACGATGACGCTGG[G>A]GGAGGCAGTGTCCAGGCGTCAGGGCAGTTCTTCCCAGGAGGACCCACAGGAGGCTGCGGT-3'